The following is an entry in ClinVar:

ClinVar aggregate classification (germline): Pathogenic (1 of 4 stars; one submission).

Conditions:
Jeune thoracic dystrophy. Also called: Jeune syndrome; Infantile thoracic dystrophy; Thoracic pelvic phalangeal dystrophy; Jeune's syndrome; Chondroectodermal dysplasia-like syndrome; Short-rib thoracic dysplasia. Identifiers: Orphanet 474, MedGen C0265275, MONDO:0018770.

Submission:

Labcorp Genetics (formerly Invitae), Labcorp
Classification: Pathogenic for Jeune thoracic dystrophy. Last evaluated: 2024-01-29. Review status: criteria provided, single submitter. Criteria: Invitae Variant Classification Sherloc (09022015). Collection method: clinical testing. Allele origin: germline.
Comment: This sequence change creates a premature translational stop signal (p.Glu1337*) in the DYNC2H1 gene. It is expected to result in an absent or disrupted protein product. Loss-of-function variants in DYNC2H1 are known to be pathogenic (PMID: 23339108, 32753734, 33755199). This variant is not present in population databases (gnomAD no frequency). This variant has not been reported in the literature in individuals affected with DYNC2H1-related conditions. Algorithms developed to predict the effect of sequence changes on RNA splicing suggest that this variant may disrupt the consensus splice site. For these reasons, this variant has been classified as Pathogenic.

Literature cited by the submitters: PubMed 23339108; PubMed 32753734; PubMed 33755199.

NM_001377.3(DYNC2H1):c.4009G>T (p.Glu1337Ter)

Gene: DYNC2H1 (dynein cytoplasmic 2 heavy chain 1; plus strand). Cytogenetic location: 11q22.3.
Variant type: single nucleotide variant.
Coding change: c.4009G>T on transcript NM_001377.3 (MANE Select); coding-DNA position 4009, G replaced by T.
Protein change: p.Glu1337Ter; replaces glutamic acid 1337 with a stop codon.
Molecular consequence: nonsense.
Genome position (GRCh38, 1-based): chr11:103,156,652, G>T. VCF-style: chr11-103156652-G-T. GRCh37 (hg19) VCF-style: chr11-103027381-G-T.
Other names: c.4009G>T, p.Glu1337Ter (NM_001080463.2); short protein forms E1337*.
Identifiers: ClinVar variation 2714180 (VCV002714180.3), dbSNP rs2497062759, ClinGen allele CA382275457.